The following is an entry in ClinVar:

NM_000545.8(HNF1A):c.*447T>A

Genes: C12orf43 (chromosome 12 open reading frame 43; minus strand), HNF1A (HNF1 homeobox A; plus strand). Cytogenetic location: 12q24.31.
Variant type: single nucleotide variant.
Coding change: c.*447T>A on transcript NM_000545.8 (MANE Select); 447 bases downstream of the stop codon, T replaced by A.
Molecular consequence: 3 prime UTR variant.
Genome position (GRCh38, 1-based): chr12:121,001,639, T>A. VCF-style: chr12-121001639-T-A. GRCh37 (hg19) VCF-style: chr12-121439442-T-A.
Other names: c.*2514A>T (NM_001286191.2, NM_001286196.2, NM_022895.3); c.*447T>A (NM_001306179.2, NM_001406915.1).
Identifiers: ClinVar variation 307469 (VCV000307469.6), dbSNP rs143731661, ClinGen allele CA10632148.

ClinVar aggregate classification (germline): Benign. Review status: criteria provided, multiple submitters, no conflicts (2 of 4 stars). 2 submissions from 2 submitters: Benign (2). Last evaluated 2018-01-12.

Conditions:
Maturity-onset diabetes of the young (MODY). Also called: Maturity onset diabetes mellitus in young. Identifiers: Orphanet 552, MedGen C0342276, MONDO:0018911, HP:0004904.
Maturity-onset diabetes of the young type 3. Also called: MODY, type III; MODY type 3. Identifiers: Orphanet 552, MedGen C1838100, MeSH C563933, MONDO:0010894, OMIM 600496. Disease mechanism: loss of function.

Allele frequency attached by ClinVar (database versions not stated): gnomAD 0.00019 and 0.00033; TOPMed 0.00034; gnomAD exomes 0.00094; 1000 Genomes Project 30x 0.00156; 1000 Genomes Project 0.00200.
gnomAD v4.1: 312 of 444,758 alleles (0.07%); highest among the groups gnomAD compares: East Asian, 1.1%; 4 homozygotes.

Submissions (2):

Illumina Laboratory Services, Illumina
Classification: Benign for Maturity-onset diabetes of the young type 3. Last evaluated: 2018-01-12. Review status: criteria provided, single submitter. Criteria: ICSL Variant Classification Criteria 13 December 2019. Collection method: clinical testing. Allele origin: germline.
Comment: This variant was observed in the ICSL laboratory as part of a predisposition screen in an ostensibly healthy population. It had not been previously curated by ICSL or reported in the Human Gene Mutation Database (HGMD: prior to June 1st, 2018), and was therefore a candidate for classification through an automated scoring system. Utilizing variant allele frequency, disease prevalence and penetrance estimates, and inheritance mode, an automated score was calculated to assess if this variant is too frequent to cause the disease. Based on the score and internal cut-off values, a variant classified as benign is not then subjected to further curation. The score for this variant resulted in a classification of benign for this disease.

Clinical Genomics, Uppaluri K&H Personalized Medicine Clinic
Classification: Benign for Maturity-onset diabetes of the young. Review status: criteria provided, single submitter. Criteria: K & H Uppaluri Personalized Medicine Clinic Variant Classification & Assertion Criteria_Updated V.1. Collection method: research. Allele origin: unknown. Inheritance: Autosomal dominant inheritance.
Comment: Mutations in HNF1A gene can predispose to MODY3. It is associated with both micro and macrovascular complications of diabetes, especially cardiovascular complications. Associated with glucosuria. May respond well to sulfonylureas. However, more evidence is required to confer the association of this particular variant rs143731661 with MODY3.

Literature cited by the submitters: PubMed 31517624 (cited by Clinical Genomics, Uppaluri K&H Personalized Medicine Clinic); PubMed 32395877 (cited by Clinical Genomics, Uppaluri K&H Personalized Medicine Clinic); PubMed 35328643 (cited by Clinical Genomics, Uppaluri K&H Personalized Medicine Clinic); PubMed 35673428 (cited by Clinical Genomics, Uppaluri K&H Personalized Medicine Clinic).